The following is an entry in ClinVar:

ClinVar aggregate classification (germline): Uncertain significance (1 of 4 stars; one submission).

Allele frequency attached by ClinVar (database versions not stated): gnomAD exomes below 0.00001; TOPMed 0.00001.
gnomAD v4.1: 6 of 1,614,214 alleles (0.00037%); highest among the groups gnomAD compares: Non-Finnish European, 0.00042%; no homozygotes.

Submission:

Labcorp Genetics (formerly Invitae), Labcorp
Classification: Uncertain significance. Last evaluated: 2022-02-24. Review status: criteria provided, single submitter. Criteria: Invitae Variant Classification Sherloc (09022015). Collection method: clinical testing. Allele origin: germline.
Comment: This sequence change replaces leucine, which is neutral and non-polar, with phenylalanine, which is neutral and non-polar, at codon 1658 of the UBR1 protein (p.Leu1658Phe). This variant is not present in population databases (gnomAD no frequency). This variant has not been reported in the literature in individuals affected with UBR1-related conditions. Algorithms developed to predict the effect of missense changes on protein structure and function (SIFT, PolyPhen-2, Align-GVGD) all suggest that this variant is likely to be tolerated. In summary, the available evidence is currently insufficient to determine the role of this variant in disease. Therefore, it has been classified as a Variant of Uncertain Significance.

NM_174916.3(UBR1):c.4972C>T (p.Leu1658Phe)

Gene: UBR1 (ubiquitin protein ligase E3 component n-recognin 1; minus strand). Cytogenetic location: 15q15.2.
Variant type: single nucleotide variant.
Coding change: c.4972C>T on transcript NM_174916.3 (MANE Select); coding-DNA position 4972, C replaced by T.
Protein change: p.Leu1658Phe; replaces leucine 1658 with phenylalanine.
Molecular consequence: missense variant.
Genome position (GRCh38, 1-based): chr15:42,952,312, G>A on the plus strand (C>T on the coding strand, the complement: UBR1 is on the minus strand). VCF-style: chr15-42952312-G-A. GRCh37 (hg19) VCF-style: chr15-43244510-G-A.
Other names: short protein forms L1658F.
Identifiers: ClinVar variation 2071455 (VCV002071455.1), dbSNP rs1567106185, ClinGen allele CA392053350.